The following is an entry in ClinVar:

NC_000003.11:g.(?_93714775)_(93724716_?)del

Gene: ARL13B (ARF like GTPase 13B; plus strand). Cytogenetic location: 3q11.1.
Variant type: Deletion.
Identifiers: ClinVar variation 2427601 (VCV002427601.4).

ClinVar aggregate classification (germline): Pathogenic (1 of 4 stars; one submission).

Conditions:
Joubert syndrome 8 (JBTS8). Identifiers: Orphanet 475, MedGen C2676771, MONDO:0012855, OMIM 612291.

Submission:

Labcorp Genetics (formerly Invitae), Labcorp
Classification: Pathogenic for Joubert syndrome 8. Last evaluated: 2023-08-06. Review status: criteria provided, single submitter. Criteria: Invitae Variant Classification Sherloc (09022015). Collection method: clinical testing. Allele origin: germline.
Comment: This variant results in the deletion of exon 3 and part of exon 2 (c.117_380+1964del) of the ARL13B gene. It is expected to disrupt RNA splicing. Variants that disrupt the donor or acceptor splice site typically lead to a loss of protein function (PMID: 16199547), and loss-of-function variants in ARL13B are known to be pathogenic (PMID: 18674751). For these reasons, this variant has been classified as Pathogenic. This variant disrupts a region of the ARL13B protein in which other variant(s) (p.Arg79Gln) have been determined to be pathogenic (PMID: 18674751). This suggests that this is a clinically significant region of the protein, and that variants that disrupt it are likely to be disease-causing. This variant has not been reported in the literature in individuals affected with ARL13B-related conditions.

Literature cited by the submitters: PubMed 16199547; PubMed 18674751.